The following is an entry in ClinVar:

ClinVar aggregate classification (germline): Uncertain significance. Review status: criteria provided, multiple submitters, no conflicts (2 of 4 stars). 2 submissions from 2 submitters: Uncertain significance (2). Last evaluated 2026-01-06.

Conditions:
Long QT syndrome (LQTS). Identifiers: MedGen C0023976, MeSH D008133, MONDO:0002442. Disease mechanism: loss of function. Inheritance: Various modes of inheritance.
Cardiovascular phenotype. Identifiers: MedGen CN230736.

gnomAD v4.1: 9 of 1,613,980 alleles (0.00056%); highest among the groups gnomAD compares: Non-Finnish European, 0.00076%; no homozygotes.

Submissions (2):

Labcorp Genetics (formerly Invitae), Labcorp
Classification: Uncertain significance for Long QT syndrome. Last evaluated: 2026-01-06. Review status: criteria provided, single submitter. Criteria: Invitae Variant Classification Sherloc (09022015). Collection method: clinical testing. Allele origin: germline.
Comment: This sequence change replaces glutamic acid, which is acidic and polar, with glycine, which is neutral and non-polar, at codon 1934 of the ANK2 protein (p.Glu1934Gly). The frequency data for this variant in the population databases is considered unreliable, as metrics indicate poor data quality at this position in the gnomAD database. This variant has not been reported in the literature in individuals affected with ANK2-related conditions. ClinVar contains an entry for this variant (Variation ID: 3540784). An algorithm developed to predict the effect of missense changes on protein structure and function (PolyPhen-2) suggests that this variant is likely to be disruptive. In summary, the available evidence is currently insufficient to determine the role of this variant in disease. Therefore, it has been classified as a Variant of Uncertain Significance.

Ambry Genetics
Classification: Uncertain significance for Cardiovascular phenotype. Last evaluated: 2024-08-21. Review status: criteria provided, single submitter. Criteria: Ambry Variant Classification Scheme 2023. Collection method: clinical testing. Allele origin: germline.

NM_001148.6(ANK2):c.5801A>G (p.Glu1934Gly)

Genes: ANK2 (ankyrin 2; plus strand), LOC126807136 (MED14-independent group 3 enhancer GRCh37_chr4:114274931-114276130; plus strand). Cytogenetic location: 4q26.
Variant type: single nucleotide variant.
Coding change: c.5801A>G on transcript NM_001148.6 (MANE Select); coding-DNA position 5801, A replaced by G.
Protein change: p.Glu1934Gly; replaces glutamic acid 1934 with glycine.
Molecular consequence: missense variant. On other transcripts: intron variant (68).
Genome position (GRCh38, 1-based): chr4:113,354,419, A>G. VCF-style: chr4-113354419-A-G. GRCh37 (hg19) VCF-style: chr4-114275575-A-G.
Other names: c.5567A>G, p.Glu1856Gly (NM_001386142.1); c.2201A>G, p.Glu734Gly (NM_001386166.1); c.5942A>G, p.Glu1981Gly (NM_001386174.1); c.5918A>G, p.Glu1973Gly (NM_001386175.1); c.4411+4170A>G (NM_001386186.2, NM_001386148.2); c.4213+4170A>G (NM_001354269.3); c.4291+4170A>G (NM_001386187.2); c.4252+4170A>G (NM_001386147.1); and 35 more; short protein forms E734G, E1934G, E1981G, E1856G, E1973G.
Identifiers: ClinVar variation 3540784 (VCV003540784.2).